The following is an entry in ClinVar:

NM_006073.4(TRDN):c.392-153dup

Gene: TRDN (triadin; minus strand). Cytogenetic location: 6q22.31.
Variant type: Duplication.
Coding change: c.392-153dup on transcript NM_006073.4 (MANE Select); 153 bases into the intron before coding-DNA position 392, one base duplicated (A; older notation c.392-153dupA).
Molecular consequence: intron variant.
Genome position (GRCh38, 1-based): chr6:123,547,521, T duplicated on the plus strand (A on the coding strand, the reverse complement: TRDN is on the minus strand); the first of 5 consecutive T bases (chr6:123,547,521-123,547,525); duplicating any one gives the same sequence. VCF-style (leftmost placement, unchanged base first): chr6-123547520-G-GT. GRCh37 (hg19) VCF-style: chr6-123868665-G-GT.
Other names: c.392-153dup (NM_001251987.2, NM_001256020.2, NM_001256021.2 and 1 more transcripts).
Identifiers: ClinVar variation 674868 (VCV000674868.1), dbSNP rs59703987, ClinGen allele CA147297072.
Genomic context (GRCh38, chr6:123,547,520, plus strand): 5'-AAAAAAATCTATTAGTTTTAACAATCATAGTCTTTACATTACTTTGCTTCCCAAATTCCA[G>GT]TTTTTAAGTATAAAGTTTGTTTATATACATTTATATAAGATTGTTTCATTTTTATGAATT-3'

ClinVar aggregate classification (germline): Benign (1 of 4 stars; one submission).

Submission:

GeneDx
Classification: Benign. Last evaluated: 2018-06-14. Review status: criteria provided, single submitter. Criteria: GeneDx Variant Classification (06012015). Collection method: clinical testing. Allele origin: germline. Affected: yes.
Comment: This variant is considered likely benign or benign based on one or more of the following criteria: it is a conservative change, it occurs at a poorly conserved position in the protein, it is predicted to be benign by multiple in silico algorithms, and/or has population frequency not consistent with disease.